The following is an entry in ClinVar:

ClinVar aggregate classification (germline): Uncertain significance (1 of 4 stars; one submission).

Allele frequency attached by ClinVar (database versions not stated): gnomAD 0.00001; TOPMed 0.00001.
gnomAD v4.1: 1 of 1,613,896 alleles (0.000062%); highest among the groups gnomAD compares: Non-Finnish European, 0.000085%; no homozygotes.

Submission:

Labcorp Genetics (formerly Invitae), Labcorp
Classification: Uncertain significance. Last evaluated: 2024-05-31. Review status: criteria provided, single submitter. Criteria: Invitae Variant Classification Sherloc (09022015). Collection method: clinical testing. Allele origin: germline.
Comment: This sequence change replaces isoleucine, which is neutral and non-polar, with leucine, which is neutral and non-polar, at codon 133 of the TBX20 protein (p.Ile133Leu). This variant is not present in population databases (gnomAD no frequency). This variant has not been reported in the literature in individuals affected with TBX20-related conditions. ClinVar contains an entry for this variant (Variation ID: 2153122). Advanced modeling of protein sequence and biophysical properties (such as structural, functional, and spatial information, amino acid conservation, physicochemical variation, residue mobility, and thermodynamic stability) performed at Invitae indicates that this missense variant is not expected to disrupt TBX20 protein function with a negative predictive value of 80%. In summary, the available evidence is currently insufficient to determine the role of this variant in disease. Therefore, it has been classified as a Variant of Uncertain Significance.

NM_001077653.2(TBX20):c.397A>C (p.Ile133Leu)

Gene: TBX20 (T-box transcription factor 20; minus strand). Cytogenetic location: 7p14.2.
Variant type: single nucleotide variant.
Coding change: c.397A>C on transcript NM_001077653.2 (MANE Select); coding-DNA position 397, A replaced by C.
Protein change: p.Ile133Leu; replaces isoleucine 133 with leucine.
Molecular consequence: missense variant.
Genome position (GRCh38, 1-based): chr7:35,248,825, T>G on the plus strand (A>C on the coding strand, the complement: TBX20 is on the minus strand). VCF-style: chr7-35248825-T-G. GRCh37 (hg19) VCF-style: chr7-35288437-T-G.
Other names: c.397A>C, p.Ile133Leu (NM_001166220.1); short protein forms I133L.
Identifiers: ClinVar variation 2153122 (VCV002153122.4), dbSNP rs1475470182, ClinGen allele CA367264829.